The following is an entry in ClinVar:

NM_130468.4(CHST14):c.59G>C (p.Arg20Pro)

Genes: CHST14 (carbohydrate sulfotransferase 14; plus strand), LOC130056851 (ATAC-STARR-seq lymphoblastoid silent region 6336; plus strand). Cytogenetic location: 15q15.1.
Variant type: single nucleotide variant.
Coding change: c.59G>C on transcript NM_130468.4 (MANE Select); coding-DNA position 59, G replaced by C.
Protein change: p.Arg20Pro; replaces arginine 20 with proline.
Molecular consequence: missense variant.
Genome position (GRCh38, 1-based): chr15:40,471,272, G>C. VCF-style: chr15-40471272-G-C. GRCh37 (hg19) VCF-style: chr15-40763471-G-C.
Other names: short protein forms R20P.
Identifiers: ClinVar variation 1750968 (VCV001750968.2), dbSNP rs1894339599, ClinGen allele CA391762001.
Genomic context (GRCh38, chr15:40,471,272, plus strand): 5'-CCATGTTCCCCCGCCCGCTGACCCCGCTGGCGGCCCCAAATGGCGCCGAGCCCCTGGGCC[G>C]GGCGCTGAGGCGGGCCCCTCTGGGCAGGGCCCGGGCGGGGCTGGGTGGGCCGCCCCTGCT-3'
Protein context (NP_569735.1, residues 10-30): AAPNGAEPLG[Arg20Pro]ALRRAPLGRA

ClinVar aggregate classification (germline): Uncertain significance (1 of 4 stars; one submission).

Conditions:
Cardiovascular phenotype. Identifiers: MedGen CN230736.

Submission:

Ambry Genetics
Classification: Uncertain significance for Cardiovascular phenotype. Last evaluated: 2021-05-24. Review status: criteria provided, single submitter. Criteria: Ambry Variant Classification Scheme 2023. Collection method: clinical testing. Allele origin: germline.
Comment: The p.R20P variant (also known as c.59G>C), located in coding exon 1 of the CHST14 gene, results from a G to C substitution at nucleotide position 59. The arginine at codon 20 is replaced by proline, an amino acid with dissimilar properties. This amino acid position is highly conserved in available vertebrate species. In addition, the in silico prediction for this alteration is inconclusive. Since supporting evidence is limited at this time, the clinical significance of this alteration remains unclear.